The following is an entry in ClinVar:

NM_002382.5(MAX):c.-98G>T

Genes: MAX (MYC associated transcriptional regulator X; minus strand), LOC130055850 (ATAC-STARR-seq lymphoblastoid silent region 5847; plus strand). Cytogenetic location: 14q23.3.
Variant type: single nucleotide variant.
Coding change: c.-98G>T on transcript NM_002382.5 (MANE Select); 98 bases upstream of the start codon, G replaced by T.
Molecular consequence: 5 prime UTR variant.
Genome position (GRCh38, 1-based): chr14:65,102,437, C>A on the plus strand (G>T on the coding strand, the complement: MAX is on the minus strand). VCF-style: chr14-65102437-C-A. GRCh37 (hg19) VCF-style: chr14-65569155-C-A.
Other names: c.-98G>T (NM_001271068.2, NM_001271069.2, NM_145112.3 and 3 more transcripts); c.-372G>T (NM_001320415.2).
Identifiers: ClinVar variation 313824 (VCV000313824.5), dbSNP rs556543602, ClinGen allele CA10640662.

ClinVar aggregate classification (germline): Benign (1 of 4 stars; one submission).

Conditions:
Pheochromocytoma. Also called: MAX-Related Hereditary Paraganglioma-Pheochromocytoma Syndrome. Identifiers: Orphanet 29072, MedGen C0031511, MONDO:0008233, OMIM 171300, HP:0002666.

Allele frequency attached by ClinVar (database versions not stated): gnomAD 0.00014 and 0.00017; TOPMed 0.00020; 1000 Genomes Project 30x 0.00172; 1000 Genomes Project 0.00180.
gnomAD v4.1: 142 of 1,551,816 alleles (0.0092%); highest among the groups gnomAD compares: East Asian, 0.19%; 1 homozygote.

Submission:

Illumina Laboratory Services, Illumina
Classification: Benign for Pheochromocytoma. Last evaluated: 2018-01-13. Review status: criteria provided, single submitter. Criteria: ICSL Variant Classification Criteria 13 December 2019. Collection method: clinical testing. Allele origin: germline.
Comment: This variant was observed in the ICSL laboratory as part of a predisposition screen in an ostensibly healthy population. It had not been previously curated by ICSL or reported in the Human Gene Mutation Database (HGMD: prior to June 1st, 2018), and was therefore a candidate for classification through an automated scoring system. Utilizing variant allele frequency, disease prevalence and penetrance estimates, and inheritance mode, an automated score was calculated to assess if this variant is too frequent to cause the disease. Based on the score and internal cut-off values, a variant classified as benign is not then subjected to further curation. The score for this variant resulted in a classification of benign for this disease.